The following is an entry in ClinVar:

ClinVar aggregate classification (germline): Uncertain significance (1 of 4 stars; one submission).

Allele frequency attached by ClinVar (database versions not stated): gnomAD exomes below 0.00001.
gnomAD v4.1: 1 of 1,614,224 alleles (0.000062%); highest among the groups gnomAD compares: Non-Finnish European, 0.000085%; no homozygotes.

Submission:

Ambry Genetics
Classification: Uncertain significance. Last evaluated: 2021-07-18. Review status: criteria provided, single submitter. Criteria: Ambry Variant Classification Scheme 2023. Collection method: clinical testing. Allele origin: germline.
Comment: The p.N864K variant (also known as c.2592T>G), located in coding exon 13 of the NPAT gene, results from a T to G substitution at nucleotide position 2592. The asparagine at codon 864 is replaced by lysine, an amino acid with similar properties. This amino acid position is conserved. In addition, this alteration is predicted to be tolerated by in silico analysis. Since supporting evidence is limited at this time, the clinical significance of this alteration remains unclear.

NM_002519.3(NPAT):c.2592T>G (p.Asn864Lys)

Gene: NPAT (nuclear protein, coactivator of histone transcription; minus strand). Cytogenetic location: 11q22.3.
Variant type: single nucleotide variant.
Coding change: c.2592T>G on transcript NM_002519.3 (MANE Select); coding-DNA position 2592, T replaced by G.
Protein change: p.Asn864Lys; replaces asparagine 864 with lysine.
Molecular consequence: missense variant.
Genome position (GRCh38, 1-based): chr11:108,172,392, A>C on the plus strand (T>G on the coding strand, the complement: NPAT is on the minus strand). VCF-style: chr11-108172392-A-C. GRCh37 (hg19) VCF-style: chr11-108043119-A-C.
Other names: c.2592T>G, p.Asn864Lys (NM_001321307.1); short protein forms N864K.
Identifiers: ClinVar variation 1793540 (VCV001793540.2), dbSNP rs2496716692, ClinGen allele CA382512646.
Genomic context (GRCh38, chr11:108,172,392, plus strand): 5'-CTGACTTACAGATGTTCCTAACGCTGTTGGATCAGTCACACAGGTAGCTATCAGAATGTT[A>C]TTTGAATTGCCAAAAGCTGTGCTTGTGGCTGGCATCAACTGTATATATCCTCCATCCTTG-3'
Protein context (NP_002510.2, residues 854-874): PATSTAFGNS[Asn864Lys]NILIATCVTD